The following is an entry in ClinVar:

ClinVar aggregate classification (germline): Likely benign (1 of 4 stars; one submission).

Allele frequency attached by ClinVar (database versions not stated): ESP Exome Variant Server 0.00092; TOPMed 0.00097; gnomAD 0.00104; gnomAD exomes 0.00109; 1000 Genomes Project 30x 0.00141; 1000 Genomes Project 0.00160; ExAC 0.00173.
gnomAD v4.1: 1,804 of 1,613,044 alleles (0.11%); highest among the groups gnomAD compares: Middle Eastern, 0.76%; 14 homozygotes.

Submission:

CeGaT Center for Human Genetics Tuebingen
Classification: Likely benign. Last evaluated: 2024-05-01. Review status: criteria provided, single submitter. Criteria: CeGaT Center For Human Genetics Tuebingen Variant Classification Criteria Version 2. Collection method: clinical testing. Allele origin: germline. Affected: yes. Observed: 1 variant allele.
Comment: EPS15L1: BP4

NM_001258374.3(EPS15L1):c.1108-8A>G

Genes: EPS15L1 (epidermal growth factor receptor pathway substrate 15 like 1; minus strand), LOC130063876 (ATAC-STARR-seq lymphoblastoid active region 14230; plus strand). Cytogenetic location: 19p13.11.
Variant type: single nucleotide variant.
Coding change: c.1108-8A>G on transcript NM_001258374.3 (MANE Select); 8 bases into the intron before coding-DNA position 1108, A replaced by G.
Molecular consequence: intron variant.
Genome position (GRCh38, 1-based): chr19:16,417,645, T>C on the plus strand (A>G on the coding strand, the complement: EPS15L1 is on the minus strand). VCF-style: chr19-16417645-T-C. GRCh37 (hg19) VCF-style: chr19-16528456-T-C.
Other names: c.1108-8A>G (NM_001258375.2, NM_021235.3, NM_001258376.2).
Identifiers: ClinVar variation 3239005 (VCV003239005.19), dbSNP rs200246324.